The following is an entry in ClinVar:

NM_000352.6(ABCC8):c.19G>A (p.Gly7Ser)

Gene: ABCC8 (ATP binding cassette subfamily C member 8; minus strand). Cytogenetic location: 11p15.1.
Variant type: single nucleotide variant.
Coding change: c.19G>A on transcript NM_000352.6 (MANE Select); coding-DNA position 19, G replaced by A.
Protein change: p.Gly7Ser; replaces glycine 7 with serine.
Molecular consequence: missense variant. On other transcripts: non-coding transcript variant (1).
Genome position (GRCh38, 1-based): chr11:17,476,758, C>T on the plus strand (G>A on the coding strand, the complement: ABCC8 is on the minus strand). VCF-style: chr11-17476758-C-T. GRCh37 (hg19) VCF-style: chr11-17498305-C-T.
Other names: c.19G>A, p.Gly7Ser (NM_001287174.3, NM_001351295.2, NM_001351296.2 and 1 more transcripts); short protein forms G7S.
Identifiers: ClinVar variation 3336320 (VCV003336320.1).

ClinVar aggregate classification (germline): Uncertain significance (1 of 4 stars; one submission).

Submission:

Women's Health and Genetics/Laboratory Corporation of America, LabCorp
Classification: Uncertain significance. Last evaluated: 2024-05-29. Review status: criteria provided, single submitter. Criteria: LabCorp Variant Classification Summary - May 2015. Collection method: clinical testing. Allele origin: germline.
Comment: Variant summary: ABCC8 c.19G>A (p.Gly7Ser) results in a non-conservative amino acid change in the encoded protein sequence. Five of five in-silico tools predict a damaging effect of the variant on protein function. The variant allele was found at a frequency of 5e-06 in 198218 control chromosomes. The available data on variant occurrences in the general population are insufficient to allow any conclusion about variant significance. To our knowledge, no occurrence of c.19G>A in individuals affected with Familial Hyperinsulinism and no experimental evidence demonstrating its impact on protein function have been reported. No submitters have cited clinical-significance assessments for this variant to ClinVar. Based on the evidence outlined above, the variant was classified as uncertain significance.